The following is an entry in ClinVar:

NM_015999.6(ADIPOR1):c.251T>G (p.Val84Gly)

Gene: ADIPOR1 (adiponectin receptor 1; minus strand). Cytogenetic location: 1q32.1.
Variant type: single nucleotide variant.
Coding change: c.251T>G on transcript NM_015999.6 (MANE Select); coding-DNA position 251, T replaced by G.
Protein change: p.Val84Gly; replaces valine 84 with glycine.
Molecular consequence: missense variant.
Genome position (GRCh38, 1-based): chr1:202,948,311, A>C on the plus strand (T>G on the coding strand, the complement: ADIPOR1 is on the minus strand). VCF-style: chr1-202948311-A-C. GRCh37 (hg19) VCF-style: chr1-202917439-A-C.
Other names: c.251T>G, p.Val84Gly (NM_001290553.2, NM_001290557.1, NM_001290629.1); short protein forms V84G.
Identifiers: ClinVar variation 957796 (VCV000957796.9), dbSNP rs1332522758, ClinGen allele CA344283247.

ClinVar aggregate classification (germline): Uncertain significance (1 of 4 stars; one submission).

Allele frequency attached by ClinVar (database versions not stated): gnomAD 0.00001; TOPMed below 0.00001.
gnomAD v4.1: 1 of 1,609,080 alleles (0.000062%); highest among the groups gnomAD compares: Non-Finnish European, 0.000085%; no homozygotes.

Submission:

Labcorp Genetics (formerly Invitae), Labcorp
Classification: Uncertain significance. Last evaluated: 2024-10-28. Review status: criteria provided, single submitter. Criteria: Invitae Variant Classification Sherloc (09022015). Collection method: clinical testing. Allele origin: germline.
Comment: This sequence change replaces valine, which is neutral and non-polar, with glycine, which is neutral and non-polar, at codon 84 of the ADIPOR1 protein (p.Val84Gly). This variant is not present in population databases (gnomAD no frequency). This variant has not been reported in the literature in individuals affected with ADIPOR1-related conditions. ClinVar contains an entry for this variant (Variation ID: 957796). An algorithm developed to predict the effect of missense changes on protein structure and function (PolyPhen-2) suggests that this variant is likely to be tolerated. In summary, the available evidence is currently insufficient to determine the role of this variant in disease. Therefore, it has been classified as a Variant of Uncertain Significance.